The following is an entry in ClinVar:

NM_001033855.3(DCLRE1C):c.1894G>A (p.Glu632Lys)

Gene: DCLRE1C (DNA cross-link repair 1C; minus strand). Cytogenetic location: 10p13.
Variant type: single nucleotide variant.
Coding change: c.1894G>A on transcript NM_001033855.3 (MANE Select); coding-DNA position 1894, G replaced by A.
Protein change: p.Glu632Lys; replaces glutamic acid 632 with lysine.
Molecular consequence: missense variant. On other transcripts: non-coding transcript variant (3), intron variant (3).
Genome position (GRCh38, 1-based): chr10:14,908,593, C>T on the plus strand (G>A on the coding strand, the complement: DCLRE1C is on the minus strand). VCF-style: chr10-14908593-C-T. GRCh37 (hg19) VCF-style: chr10-14950592-C-T.
Other names: NM_001033855.3(DCLRE1C):c.1894G>A; p.Glu632Lys; c.1534G>A, p.Glu512Lys (NM_001033857.3, NM_001033858.3, NM_001289077.2 and 1 more transcripts); c.1549G>A, p.Glu517Lys (NM_001289076.2, NM_001289078.2, NM_022487.4); c.1437+112G>A (NM_001350966.2); c.1782+112G>A (NM_001350965.2); c.1422+112G>A (NM_001350967.2); short protein forms E632K, E512K, E517K.
Identifiers: ClinVar variation 598004 (VCV000598004.19), dbSNP rs61757205, ClinGen allele CA5416379.

ClinVar aggregate classification (germline): Benign. Review status: reviewed by expert panel (3 of 4 stars). 5 submissions from 5 submitters: Benign (1). 4 of the submissions do not count toward it. Last evaluated 2024-01-23.

Conditions:
Severe combined immunodeficiency due to DCLRE1C deficiency (RS-SCID). Also called: SCID, AUTOSOMAL RECESSIVE, T CELL-NEGATIVE, B CELL-NEGATIVE, NK CELL-POSITIVE, WITH SENSITIVITY TO IONIZING RADIATION. Identifiers: Orphanet 275, MedGen C1865371, MONDO:0011225, OMIM 602450.
DCLRE1C-related disorder. Also called: DCLRE1C-related condition.

Allele frequency attached by ClinVar (database versions not stated): TOPMed 0.00008; ExAC 0.00077; gnomAD 0.00006 and 0.00024; 1000 Genomes Project 0.00120; 1000 Genomes Project 30x 0.00141; gnomAD exomes 0.00070.
gnomAD v4.1: 522 of 1,614,110 alleles (0.032%); highest among the groups gnomAD compares: South Asian, 0.47%; 6 homozygotes.

Submissions (5):

ClinGen Severe Combined Immunodeficiency Variant Curation Expert Panel, ClinGen
Classification: Benign for Severe combined immunodeficiency due to DCLRE1C deficiency. Last evaluated: 2024-01-23. Review status: reviewed by expert panel. Criteria: ClinGen SCID ACMG Specifications DCLRE1C V1.0.0. Collection method: curation. Allele origin: germline. Inheritance: Autosomal recessive inheritance.
Comment: The c.1894G>A (NM_001033855.3) variant in DCLRE1C is a missense variant predicted to cause substitution of Glutamic Acid by Lysine at amino acid 632 (p.Glu632Lys). The filtering allele frequency (the lower threshold of the 95% CI of 431/91076) of the c.1894G>A variant in DCLRE1C is 0.004306 for South Asian chromosomes by gnomAD v4, which is higher than the ClinGen SCID VCEP threshold (>0.00346) for BA1, and therefore meets this criterion (BA1). Additionally, 6 adult homozygous have been reported in the same population (BS2_Supporting). In summary, this variant meets the criteria to be classified as Benign for autosomal recessive severe combined immunodeficiency due to DCLRE1C deficiency, based on the ACMG/AMP criteria applied, as specified by the ClinGen SCID VCEP. Criteria applied: BA1 and BS2_Supporting (VCEP specifications version 1).

Labcorp Genetics (formerly Invitae), Labcorp
Classification: Benign for Athabaskan severe combined immunodeficiency. Last evaluated: 2026-01-22. Review status: criteria provided, single submitter. Criteria: Invitae Variant Classification Sherloc (09022015). Collection method: clinical testing. Allele origin: germline. Not counted in ClinVar's aggregate classification.

Eurofins Ntd Llc (ga)
Classification: Likely benign. Last evaluated: 2018-08-01. Review status: criteria provided, single submitter. Criteria: EGL ClinVar v180209 classification definitions. Collection method: clinical testing. Allele origin: germline. Observed: 1 variant allele, 1 heterozygote. Not counted in ClinVar's aggregate classification.

GeneDx
Classification: Likely benign. Last evaluated: 2015-03-03. Review status: criteria provided, single submitter. Criteria: GeneDx Variant Classification Process June 2021. Collection method: clinical testing. Allele origin: germline. Affected: yes. Not counted in ClinVar's aggregate classification.

PreventionGenetics, part of Exact Sciences
Classification: Benign for DCLRE1C-related condition. Last evaluated: 2024-08-31. Review status: no assertion criteria provided. Collection method: clinical testing. Allele origin: germline. Not counted in ClinVar's aggregate classification.
Comment: This variant is classified as benign based on ACMG/AMP sequence variant interpretation guidelines (Richards et al. 2015 PMID: 25741868, with internal and published modifications).